The following is an entry in ClinVar:

NM_005732.4(RAD50):c.2745G>C (p.Leu915Phe)

Gene: RAD50 (RAD50 double strand break repair protein; plus strand). Cytogenetic location: 5q31.1.
Variant type: single nucleotide variant.
Coding change: c.2745G>C on transcript NM_005732.4 (MANE Select); coding-DNA position 2745, G replaced by C.
Protein change: p.Leu915Phe; replaces leucine 915 with phenylalanine.
Molecular consequence: missense variant.
Genome position (GRCh38, 1-based): chr5:132,608,641, G>C. VCF-style: chr5-132608641-G-C. GRCh37 (hg19) VCF-style: chr5-131944333-G-C.
Other names: short protein forms L915F.
Identifiers: ClinVar variation 457418 (VCV000457418.14), dbSNP rs876658662, ClinGen allele CA360958704.

ClinVar aggregate classification (germline): Uncertain significance. Review status: criteria provided, multiple submitters, no conflicts (2 of 4 stars). 2 submissions from 2 submitters: Uncertain significance (2). Last evaluated 2025-06-11.

Conditions:
Hereditary cancer-predisposing syndrome. Also called: Neoplastic Syndromes, Hereditary; Tumor predisposition; Hereditary Cancer Syndrome; Hereditary neoplastic syndrome. Identifiers: Orphanet 140162, MedGen C0027672, MeSH D009386, MONDO:0015356.

Allele frequency attached by ClinVar (database versions not stated): TOPMed below 0.00001; gnomAD 0.00001.
gnomAD v4.1: 2 of 1,596,044 alleles (0.00013%); highest among the groups gnomAD compares: Middle Eastern, 0.02%; no homozygotes.

Submissions (2):

Labcorp Genetics (formerly Invitae), Labcorp
Classification: Uncertain significance for Hereditary cancer-predisposing syndrome. Last evaluated: 2025-06-11. Review status: criteria provided, single submitter. Criteria: Invitae Variant Classification Sherloc (09022015). Collection method: clinical testing. Allele origin: germline.
Comment: This sequence change replaces leucine, which is neutral and non-polar, with phenylalanine, which is neutral and non-polar, at codon 915 of the RAD50 protein (p.Leu915Phe). This variant is not present in population databases (gnomAD no frequency). This variant has not been reported in the literature in individuals affected with RAD50-related conditions. ClinVar contains an entry for this variant (Variation ID: 457418). Invitae Evidence Modeling of protein sequence and biophysical properties (such as structural, functional, and spatial information, amino acid conservation, physicochemical variation, residue mobility, and thermodynamic stability) indicates that this missense variant is expected to disrupt RAD50 protein function with a positive predictive value of 80%. In summary, the available evidence is currently insufficient to determine the role of this variant in disease. Therefore, it has been classified as a Variant of Uncertain Significance.

Ambry Genetics
Classification: Uncertain significance for Hereditary cancer-predisposing syndrome. Last evaluated: 2016-09-26. Review status: criteria provided, single submitter. Criteria: Ambry Variant Classification Scheme 2023. Collection method: clinical testing. Allele origin: germline.
Comment: The p.L915F variant (also known as c.2745G>C), located in coding exon 17 of the RAD50 gene, results from a G to C substitution at nucleotide position 2745. The leucine at codon 915 is replaced by phenylalanine, an amino acid with highly similar properties. This variant was not reported in population based cohorts in the following databases: Database of Single Nucleotide Polymorphisms (dbSNP), NHLBI Exome Sequencing Project (ESP), and 1000 Genomes Project. In the ESP, this variant was not observed in 6497 samples (12994 alleles) with coverage at this position. To date, this alteration has been detected with an allele frequency of approximately 0.001% (greater than 175000 alleles tested) in our clinical cohort. This amino acid position is highly conserved in available vertebrate species. In addition, the in silico prediction for this alteration is inconclusive. Since supporting evidence is limited at this time, the clinical significance of this alteration remains unclear.